The following is an entry in ClinVar:

NM_000214.3(JAG1):c.2922dup (p.Thr975fs)

Gene: JAG1 (jagged canonical Notch ligand 1; minus strand). Cytogenetic location: 20p12.2.
Variant type: Duplication.
Coding change: c.2922dup on transcript NM_000214.3 (MANE Select); coding-DNA position 2922, one base duplicated (T; older notation c.2922dupT).
Protein change: p.Thr975fs; shifts the reading frame from threonine 975.
Molecular consequence: frameshift variant.
Genome position (GRCh38, 1-based): chr20:10,641,239, A duplicated on the plus strand (T on the coding strand, the reverse complement: JAG1 is on the minus strand); the first of 2 consecutive A bases (chr20:10,641,239-10,641,240); duplicating either gives the same sequence. VCF-style (leftmost placement, unchanged base first): chr20-10641238-T-TA. GRCh37 (hg19) VCF-style: chr20-10621886-T-TA.
Other names: short protein forms T975fs.
Identifiers: ClinVar variation 3718679 (VCV003718679.2).

ClinVar aggregate classification (germline): Pathogenic (1 of 4 stars; one submission).

Conditions:
Alagille syndrome due to a JAG1 point mutation. Also called: JAG1-Related Alagille Syndrome; HEPATIC DUCTULAR HYPOPLASIA, SYNDROMATIC; Alagille Syndrome 1. Identifiers: Orphanet 261619, Orphanet 52, MedGen C1956125, MONDO:0016862, OMIM 118450.

Submission:

Labcorp Genetics (formerly Invitae), Labcorp
Classification: Pathogenic for Alagille syndrome due to a JAG1 point mutation. Last evaluated: 2025-01-29. Review status: criteria provided, single submitter. Criteria: Invitae Variant Classification Sherloc (09022015). Collection method: clinical testing. Allele origin: germline.
Comment: This sequence change creates a premature translational stop signal (p.Thr975Tyrfs*8) in the JAG1 gene. It is expected to result in an absent or disrupted protein product. Loss-of-function variants in JAG1 are known to be pathogenic (PMID: 11180599). This variant is not present in population databases (gnomAD no frequency). This premature translational stop signal has been observed in individual(s) with Alagille syndrome (PMID: 30968598). In at least one individual the variant was observed to be de novo. For these reasons, this variant has been classified as Pathogenic.

Literature cited by the submitters: PubMed 11180599; PubMed 30968598.